The following is an entry in ClinVar:

ClinVar aggregate classification (germline): Uncertain significance (1 of 4 stars; one submission).

Conditions:
Hereditary cancer-predisposing syndrome. Also called: Hereditary Cancer Syndrome; Tumor predisposition; Hereditary neoplastic syndrome; Neoplastic Syndromes, Hereditary. Identifiers: Orphanet 140162, MedGen C0027672, MeSH D009386, MONDO:0015356.

Submission:

Labcorp Genetics (formerly Invitae), Labcorp
Classification: Uncertain significance for Hereditary cancer-predisposing syndrome. Last evaluated: 2020-08-24. Review status: criteria provided, single submitter. Criteria: Invitae Variant Classification Sherloc (09022015). Collection method: clinical testing. Allele origin: germline.
Comment: This variant is not present in population databases (ExAC no frequency). In summary, the available evidence is currently insufficient to determine the role of this variant in disease. Therefore, it has been classified as a Variant of Uncertain Significance. Algorithms developed to predict the effect of missense changes on protein structure and function are either unavailable or do not agree on the potential impact of this missense change (SIFT: "Deleterious"; PolyPhen-2: "Probably Damaging"; Align-GVGD: "Class C0"). This variant has not been reported in the literature in individuals with RAD50-related conditions. This sequence change replaces lysine with asparagine at codon 6 of the RAD50 protein (p.Lys6Asn). The lysine residue is moderately conserved and there is a moderate physicochemical difference between lysine and asparagine.

NM_005732.4(RAD50):c.18G>C (p.Lys6Asn)

Gene: RAD50 (RAD50 double strand break repair protein; plus strand). Cytogenetic location: 5q31.1.
Variant type: single nucleotide variant.
Coding change: c.18G>C on transcript NM_005732.4 (MANE Select); coding-DNA position 18, G replaced by C.
Protein change: p.Lys6Asn; replaces lysine 6 with asparagine.
Molecular consequence: missense variant.
Genome position (GRCh38, 1-based): chr5:132,557,342, G>C. VCF-style: chr5-132557342-G-C. GRCh37 (hg19) VCF-style: chr5-131893034-G-C.
Other names: short protein forms K6N.
Identifiers: ClinVar variation 1046920 (VCV001046920.9), dbSNP rs1750018990, ClinGen allele CA360950792.